The following is an entry in ClinVar:

ClinVar aggregate classification (germline): Uncertain significance. Review status: criteria provided, multiple submitters, no conflicts (2 of 4 stars). 2 submissions from 2 submitters: Uncertain significance (2). Last evaluated 2025-08-27.

Conditions:
Developmental and epileptic encephalopathy. Identifiers: MedGen C5779964, MONDO:0100620.
Inborn genetic diseases. Identifiers: MedGen C0950123, MeSH D030342.

Allele frequency attached by ClinVar (database versions not stated): TOPMed 0.00002; gnomAD 0.00003 and 0.00004; gnomAD exomes 0.00003; ESP Exome Variant Server 0.00008.
gnomAD v4.1: 15 of 1,529,286 alleles (0.00098%); highest among the groups gnomAD compares: Admixed American, 0.0063%; no homozygotes.

Submissions (2):

Ambry Genetics
Classification: Uncertain significance for Inborn genetic diseases. Last evaluated: 2025-08-27. Review status: criteria provided, single submitter. Criteria: Ambry Variant Classification Scheme 2023. Collection method: clinical testing. Allele origin: germline.

Labcorp Genetics (formerly Invitae), Labcorp
Classification: Uncertain significance for Early-infantile DEE. Last evaluated: 2022-08-15. Review status: criteria provided, single submitter. Criteria: Invitae Variant Classification Sherloc (09022015). Collection method: clinical testing. Allele origin: germline.
Comment: This sequence change replaces arginine, which is basic and polar, with cysteine, which is neutral and slightly polar, at codon 1142 of the CACNA2D2 protein (p.Arg1142Cys). This variant is present in population databases (rs376300457, gnomAD 0.009%). This variant has not been reported in the literature in individuals affected with CACNA2D2-related conditions. ClinVar contains an entry for this variant (Variation ID: 1060169). Algorithms developed to predict the effect of missense changes on protein structure and function are either unavailable or do not agree on the potential impact of this missense change (SIFT: "Tolerated"; PolyPhen-2: "Possibly Damaging"; Align-GVGD: "Class C0"). In summary, the available evidence is currently insufficient to determine the role of this variant in disease. Therefore, it has been classified as a Variant of Uncertain Significance.

NM_006030.4(CACNA2D2):c.3424C>T (p.Arg1142Cys)

Genes: CACNA2D2 (calcium voltage-gated channel auxiliary subunit alpha2delta 2; minus strand), LOC127898564 (CYB561D2-LOC101928965; plus strand). Cytogenetic location: 3p21.31.
Variant type: single nucleotide variant.
Coding change: c.3424C>T on transcript NM_006030.4 (MANE Select); coding-DNA position 3424, C replaced by T.
Protein change: p.Arg1142Cys; replaces arginine 1142 with cysteine.
Molecular consequence: missense variant.
Genome position (GRCh38, 1-based): chr3:50,364,674, G>A on the plus strand (C>T on the coding strand, the complement: CACNA2D2 is on the minus strand). VCF-style: chr3-50364674-G-A. GRCh37 (hg19) VCF-style: chr3-50402105-G-A.
Other names: c.3430C>T, p.Arg1144Cys (NM_001005505.3); c.3445C>T, p.Arg1149Cys (NM_001174051.3); c.3223C>T, p.Arg1075Cys (NM_001291101.1); c.3445C>T (NM_001174051.1); short protein forms R1075C, R1142C, R1144C, R1149C.
Identifiers: ClinVar variation 1060169 (VCV001060169.4), dbSNP rs376300457, ClinGen allele CA74654498.
Genomic context (GRCh38, chr3:50,364,674, plus strand): 5'-AAGGCGAAGAGGCCGGGTGAGGTGGGAGTGGAGGTGGGGTGGGGCAGGGTGCTCAGAGGC[G>A]GCGAGAGGCGTGGACGAGGACTTGAGGCTGCGGCCGGGGCGGCAGGCCCAGGAGGAGCAG-3'
Protein context (NP_006021.2, residues 1132-1143): QPQVLVHASR[Arg1142Cys]L